The following is an entry in ClinVar:

ClinVar aggregate classification (germline): Pathogenic/Likely pathogenic. Review status: criteria provided, multiple submitters, no conflicts (2 of 4 stars). 2 submissions from 2 submitters: Pathogenic (1); Likely pathogenic (1). Last evaluated 2024-08-12.

Conditions:
Neurofibromatosis, type 1 (NF1). Also called: Neurofibromatosis, type I; VON RECKLINGHAUSEN DISEASE; Peripheral type neurofibromatosis; NEUROFIBROMATOSIS, TYPE I, SOMATIC. Identifiers: Orphanet 636, MedGen C0027831, MONDO:0018975, OMIM 162200. Disease mechanism: loss of function.

Submissions (2):

Labcorp Genetics (formerly Invitae), Labcorp
Classification: Pathogenic for Neurofibromatosis, type 1. Last evaluated: 2024-08-12. Review status: criteria provided, single submitter. Criteria: Invitae Variant Classification Sherloc (09022015). Collection method: clinical testing. Allele origin: germline.
Comment: This sequence change creates a premature translational stop signal (p.Ile596Phefs*9) in the NF1 gene. It is expected to result in an absent or disrupted protein product. Loss-of-function variants in NF1 are known to be pathogenic (PMID: 10712197, 23913538). This variant is not present in population databases (gnomAD no frequency). This variant has not been reported in the literature in individuals affected with NF1-related conditions. Algorithms developed to predict the effect of sequence changes on RNA splicing suggest that this variant may disrupt the consensus splice site. For these reasons, this variant has been classified as Pathogenic.

Quest Diagnostics Nichols Institute San Juan Capistrano
Classification: Likely pathogenic. Last evaluated: 2024-07-09. Review status: criteria provided, single submitter. Criteria: Quest Diagnostics criteria. Collection method: clinical testing. Allele origin: unknown.
Comment: The NF1 c.1786del (p.Ile596Phefs*9) variant alters the translational reading frame of the NF1 mRNA and is predicted to cause the premature termination of NF1 protein synthesis. This variant has not been reported in individuals with NF1-related conditions in the published literature. This variant has not been reported in large, multi-ethnic general populations (Genome Aggregation Database). Based on the available information, this variant is classified as likely pathogenic.

Literature cited by the submitters: PubMed 10712197 (cited by Labcorp Genetics (formerly Invitae), Labcorp); PubMed 23913538 (cited by Labcorp Genetics (formerly Invitae), Labcorp).

NM_001042492.3(NF1):c.1786del (p.Ile596fs)

Gene: NF1 (neurofibromin 1; plus strand). Cytogenetic location: 17q11.2.
Variant type: Deletion.
Coding change: c.1786del on transcript NM_001042492.3 (MANE Select); coding-DNA position 1786, one base deleted (A; older notation c.1786delA).
Protein change: p.Ile596fs; shifts the reading frame from isoleucine 596.
Molecular consequence: frameshift variant.
Genome position (GRCh38, 1-based): chr17:31,223,508, A deleted; the last of 3 consecutive A bases (chr17:31,223,506-31,223,508); deleting any one gives the same sequence. VCF-style (leftmost placement, unchanged base first): chr17-31223505-GA-G. GRCh37 (hg19) VCF-style: chr17-29550523-GA-G.
Other names: c.1786delA, p.Ile596Phefs (NM_000267.4); short protein forms I596fs.
Identifiers: ClinVar variation 3572028 (VCV003572028.3).